The following is an entry in ClinVar:

NM_032638.5(GATA2):c.138C>A (p.Asp46Glu)

Gene: GATA2 (GATA binding protein 2; minus strand). Cytogenetic location: 3q21.3.
Variant type: single nucleotide variant.
Coding change: c.138C>A on transcript NM_032638.5 (MANE Select); coding-DNA position 138, C replaced by A.
Protein change: p.Asp46Glu; replaces aspartic acid 46 with glutamic acid.
Molecular consequence: missense variant.
Genome position (GRCh38, 1-based): chr3:128,486,894, G>T on the plus strand (C>A on the coding strand, the complement: GATA2 is on the minus strand). VCF-style: chr3-128486894-G-T. GRCh37 (hg19) VCF-style: chr3-128205737-G-T.
Other names: c.138C>A, p.Asp46Glu (NM_001145661.2, NM_001145662.1); short protein forms D46E.
Identifiers: ClinVar variation 4028470 (VCV004028470.1).
Genomic context (GRCh38, chr3:128,486,894, plus strand): 5'-CGCGTGAGCGGGGTTGGCATAGTAGGGGTTGCCCTGCGAGTCGAGGTGATTGAAGAAGAC[G>T]TCCACCTCGTCTGGAGGCAGCAGCTGCGCGGGTTCCATGTAGTTGTGCGCCAGGCCCGGG-3'
Protein context (NP_116027.2, residues 36-56): PAQLLPPDEV[Asp46Glu]VFFNHLDSQG

ClinVar aggregate classification (germline): Uncertain significance (1 of 4 stars; one submission).

Conditions:
Inborn genetic diseases. Identifiers: MedGen C0950123, MeSH D030342.

Submission:

Ambry Genetics
Classification: Uncertain significance for Inborn genetic diseases. Last evaluated: 2025-03-20. Review status: criteria provided, single submitter. Criteria: Ambry Variant Classification Scheme 2023. Collection method: clinical testing. Allele origin: germline.
Comment: The p.D46E variant (also known as c.138C>A), located in coding exon 1 of the GATA2 gene, results from a C to A substitution at nucleotide position 138. The aspartic acid at codon 46 is replaced by glutamic acid, an amino acid with highly similar properties. This amino acid position is conserved. In addition, the in silico prediction for this alteration is inconclusive. Based on the available evidence, the clinical significance of this variant remains unclear.